The following is an entry in ClinVar:

NM_001382430.1(AKT1):c.749C>T (p.Ala250Val)

Gene: AKT1 (AKT serine/threonine kinase 1; minus strand). Cytogenetic location: 14q32.33.
Variant type: single nucleotide variant.
Coding change: c.749C>T on transcript NM_001382430.1 (MANE Select); coding-DNA position 749, C replaced by T.
Protein change: p.Ala250Val; replaces alanine 250 with valine.
Molecular consequence: missense variant.
Genome position (GRCh38, 1-based): chr14:104,773,534, G>A on the plus strand (C>T on the coding strand, the complement: AKT1 is on the minus strand). VCF-style: chr14-104773534-G-A. GRCh37 (hg19) VCF-style: chr14-105239871-G-A.
Other names: c.749C>T, p.Ala250Val (NM_001014431.2, NM_001014432.2, NM_001382431.1 and 3 more transcripts); short protein forms A250V.
Identifiers: ClinVar variation 1035310 (VCV001035310.8), dbSNP rs1892523027, ClinGen allele CA391218416.
Genomic context (GRCh38, chr14:104,773,534, plus strand): 5'-ACGTTCTTCTCCGAGTGCAGGTAGTCCAGGGCTGACACAATCTCAGCGCCATAGAAGCGG[G>A]CCCGGTCCTCGGAGAACACACGCTCCCGGGACAGGTGGAAGAACAGCTGCGGGAGGCGCA-3'
Protein context (NP_001369359.1, residues 240-260): SRERVFSEDR[Ala250Val]RFYGAEIVSA

ClinVar aggregate classification (germline): Uncertain significance (1 of 4 stars; one submission).

Conditions:
Cowden syndrome 6 (CWS6). Identifiers: Orphanet 201, MedGen C3554519, MONDO:0014048, OMIM 615109.

Submission:

Labcorp Genetics (formerly Invitae), Labcorp
Classification: Uncertain significance for Cowden syndrome 6. Last evaluated: 2020-10-21. Review status: criteria provided, single submitter. Criteria: Invitae Variant Classification Sherloc (09022015). Collection method: clinical testing. Allele origin: germline.
Comment: This sequence change replaces alanine with valine at codon 250 of the AKT1 protein (p.Ala250Val). The alanine residue is highly conserved and there is a small physicochemical difference between alanine and valine. This variant is not present in population databases (ExAC no frequency). This variant has not been reported in the literature in individuals with AKT1-related conditions. Algorithms developed to predict the effect of missense changes on protein structure and function are either unavailable or do not agree on the potential impact of this missense change (SIFT: "Deleterious"; PolyPhen-2: "Possibly Damaging"; Align-GVGD: "Class C0"). Algorithms developed to predict the effect of sequence changes on RNA splicing suggest that this variant may create or strengthen a splice site, but this prediction has not been confirmed by published transcriptional studies. In summary, the available evidence is currently insufficient to determine the role of this variant in disease. Therefore, it has been classified as a Variant of Uncertain Significance.